The following is an entry in ClinVar:

NM_013382.7(POMT2):c.1609A>G (p.Ser537Gly)

Gene: POMT2 (protein O-mannosyltransferase 2; minus strand). Cytogenetic location: 14q24.3.
Variant type: single nucleotide variant.
Coding change: c.1609A>G on transcript NM_013382.7 (MANE Select); coding-DNA position 1609, A replaced by G.
Protein change: p.Ser537Gly; replaces serine 537 with glycine.
Molecular consequence: missense variant.
Genome position (GRCh38, 1-based): chr14:77,283,841, T>C on the plus strand (A>G on the coding strand, the complement: POMT2 is on the minus strand). VCF-style: chr14-77283841-T-C. GRCh37 (hg19) VCF-style: chr14-77750184-T-C.
Other names: short protein forms S537G.
Identifiers: ClinVar variation 1371682 (VCV001371682.5), dbSNP rs1340953706, ClinGen allele CA7285793.

ClinVar aggregate classification (germline): Uncertain significance (1 of 4 stars; one submission).

Conditions:
Muscular dystrophy-dystroglycanopathy (congenital with brain and eye anomalies), type A2. Also called: MUSCULAR DYSTROPHY-DYSTROGLYCANOPATHY (CONGENITAL WITH BRAIN AND EYE ANOMALIES), TYPE A, 2; WALKER-WARBURG SYNDROME OR MUSCLE-EYE-BRAIN DISEASE, POMT2-RELATED. Identifiers: Orphanet 588, Orphanet 899, MedGen C3150411, MONDO:0013154, OMIM 613150.
Autosomal recessive limb-girdle muscular dystrophy type 2N. Also called: MUSCULAR DYSTROPHY-DYSTROGLYCANOPATHY, LIMB-GIRDLE, POMT2-RELATED; Muscular dystrophy-dystroglycanopathy (limb-girdle), type C, 2. Identifiers: Orphanet 206559, MedGen C3150418, MONDO:0013162, OMIM 613158.
Muscular dystrophy-dystroglycanopathy (congenital with impaired intellectual development), type B, 2. Also called: MUSCULAR DYSTROPHY, CONGENITAL, POMT2-RELATED; Muscular dystrophy-dystroglycanopathy (congenital with intellectual disability), type B2. Identifiers: MedGen C3150416, MONDO:0013160, OMIM 613156.

Allele frequency attached by ClinVar (database versions not stated): gnomAD exomes 0.00001 and below 0.00001; ExAC 0.00001.
gnomAD v4.1: 3 of 1,613,322 alleles (0.00019%); highest among the groups gnomAD compares: East Asian, 0.0067%; no homozygotes.

Submission:

Labcorp Genetics (formerly Invitae), Labcorp
Classification: Uncertain significance for Muscular dystrophy-dystroglycanopathy (congenital with impaired intellectual development), type B, 2; Muscular dystrophy-dystroglycanopathy (congenital with brain and eye anomalies), type A2; Autosomal recessive limb-girdle muscular dystrophy type 2N. Last evaluated: 2021-09-24. Review status: criteria provided, single submitter. Criteria: Invitae Variant Classification Sherloc (09022015). Collection method: clinical testing. Allele origin: germline.
Comment: This sequence change replaces serine with glycine at codon 537 of the POMT2 protein (p.Ser537Gly). The serine residue is moderately conserved and there is a small physicochemical difference between serine and glycine. This variant is present in population databases (no rsID available, ExAC 0.01%). This variant has not been reported in the literature in individuals with POMT2-related conditions. Algorithms developed to predict the effect of missense changes on protein structure and function output the following: SIFT: "Tolerated"; PolyPhen-2: "Benign"; Align-GVGD: "Class C0". The glycine amino acid residue is found in multiple mammalian species, suggesting that this missense change does not adversely affect protein function. These predictions have not been confirmed by published functional studies and their clinical significance is uncertain. In summary, the available evidence is currently insufficient to determine the role of this variant in disease. Therefore, it has been classified as a Variant of Uncertain Significance.